The following is an entry in ClinVar:

ClinVar aggregate classification (germline): Benign. Review status: criteria provided, multiple submitters, no conflicts (2 of 4 stars). 3 submissions from 3 submitters: Benign (3). Last evaluated 2026-01-27.

Conditions:
HNSHA due to aldolase A deficiency (GSD12). Also called: GLYCOGEN STORAGE DISEASE XII; RED CELL ALDOLASE DEFICIENCY; GSD XII; Glycogen storage disease due to aldolase A deficiency. Identifiers: Orphanet 57, MedGen C0272066, MONDO:0012747, OMIM 611881.

Allele frequency attached by ClinVar (database versions not stated): gnomAD exomes 0.00174; ExAC 0.00236; 1000 Genomes Project 30x 0.00593; 1000 Genomes Project 0.00599; gnomAD 0.00740 and 0.00797; TOPMed 0.00822; ESP Exome Variant Server 0.00870.
gnomAD v4.1: 2,139 of 1,614,214 alleles (0.13%); highest among the groups gnomAD compares: African/African-American, 2.5%; 26 homozygotes.

Submissions (9):

Labcorp Genetics (formerly Invitae), Labcorp
Classification: Benign for HNSHA due to aldolase A deficiency. Last evaluated: 2026-01-27. Review status: criteria provided, single submitter. Criteria: Invitae Variant Classification Sherloc (09022015). Collection method: clinical testing. Allele origin: germline.

ARUP Laboratories, Molecular Genetics and Genomics, ARUP Laboratories
Classification: Benign for HNSHA due to aldolase A deficiency. Last evaluated: 2025-04-17. Review status: criteria provided, single submitter. Criteria: ARUP Molecular Germline Variant Investigation Process 2024. Collection method: clinical testing. Allele origin: germline.

GeneDx
Classification: Benign. Last evaluated: 2016-08-03. Review status: criteria provided, single submitter. Criteria: GeneDx Variant Classification (06012015). Collection method: clinical testing. Allele origin: germline. Affected: yes.
Comment: This variant is considered likely benign or benign based on one or more of the following criteria: it is a conservative change, it occurs at a poorly conserved position in the protein, it is predicted to be benign by multiple in silico algorithms, and/or has population frequency not consistent with disease.

Dr. Peter K. Rogan Lab, Western University
No classification provided (evidence only). Condition: Acute myeloid leukemia. Review status: no classification provided. Collection method: in vitro. Allele origin: not applicable. Functional consequence: retained intron. Not counted in ClinVar's aggregate classification.

Dr. Peter K. Rogan Lab, Western University
No classification provided (evidence only). Condition: Uterine corpus endometrial carcinoma. Review status: no classification provided. Collection method: in vitro. Allele origin: not applicable. Functional consequence: retained intron. Not counted in ClinVar's aggregate classification.

Dr. Peter K. Rogan Lab, Western University
No classification provided (evidence only). Condition: Uterine corpus endometrial carcinoma. Review status: no classification provided. Collection method: in vitro. Allele origin: not applicable. Functional consequence: retained intron. Not counted in ClinVar's aggregate classification.

Dr. Peter K. Rogan Lab, Western University
No classification provided (evidence only). Condition: Uterine corpus endometrial carcinoma. Review status: no classification provided. Collection method: in vitro. Allele origin: not applicable. Functional consequence: retained intron. Not counted in ClinVar's aggregate classification.

Dr. Peter K. Rogan Lab, Western University
No classification provided (evidence only). Condition: Cervical cancer. Review status: no classification provided. Collection method: in vitro. Allele origin: not applicable. Functional consequence: retained intron. Not counted in ClinVar's aggregate classification.

Dr. Peter K. Rogan Lab, Western University
No classification provided (evidence only). Condition: Ovarian serous cystadenocarcinoma. Review status: no classification provided. Collection method: in vitro. Allele origin: not applicable. Functional consequence: retained intron. Not counted in ClinVar's aggregate classification.

NM_001243177.4(ALDOA):c.542-16C>A

Genes: ALDOA (aldolase, fructose-bisphosphate A; plus strand), LOC112694756 (uncharaterized LOC112694756; plus strand). Cytogenetic location: 16p11.2.
Variant type: single nucleotide variant.
Coding change: c.542-16C>A on transcript NM_001243177.4 (MANE Select); 16 bases into the intron before coding-DNA position 542, C replaced by A.
Molecular consequence: intron variant.
Genome position (GRCh38, 1-based): chr16:30,068,802, C>A. VCF-style: chr16-30068802-C-A. GRCh37 (hg19) VCF-style: chr16-30080123-C-A.
Other names: c.*889-16C>A (NM_001365307.2, NM_001365305.2, NM_001365304.2); c.380-16C>A (NM_184043.2, NM_001127617.2, NM_184041.5).
Identifiers: ClinVar variation 385797 (VCV000385797.22), dbSNP rs78124282, ClinGen allele CA8000986.